The following is an entry in ClinVar:

ClinVar aggregate classification (germline): Uncertain significance (1 of 4 stars; one submission).

Allele frequency attached by ClinVar (database versions not stated): gnomAD exomes below 0.00001.
gnomAD v4.1: 2 of 1,613,124 alleles (0.00012%); highest among the groups gnomAD compares: Non-Finnish European, 0.00017%; no homozygotes.

Submission:

Labcorp Genetics (formerly Invitae), Labcorp
Classification: Uncertain significance. Last evaluated: 2023-01-31. Review status: criteria provided, single submitter. Criteria: Invitae Variant Classification Sherloc (09022015). Collection method: clinical testing. Allele origin: germline.
Comment: In summary, the available evidence is currently insufficient to determine the role of this variant in disease. Therefore, it has been classified as a Variant of Uncertain Significance. Algorithms developed to predict the effect of missense changes on protein structure and function output the following: SIFT: "Tolerated"; PolyPhen-2: "Not Available"; Align-GVGD: "Class C0". The alanine amino acid residue is found in multiple mammalian species, which suggests that this missense change does not adversely affect protein function. This variant has not been reported in the literature in individuals affected with RIN2-related conditions. This variant is not present in population databases (gnomAD no frequency). This sequence change replaces threonine, which is neutral and polar, with alanine, which is neutral and non-polar, at codon 332 of the RIN2 protein (p.Thr332Ala).

NM_018993.4(RIN2):c.994A>G (p.Thr332Ala)

Gene: RIN2 (Ras and Rab interactor 2; plus strand). Cytogenetic location: 20p11.23.
Variant type: single nucleotide variant.
Coding change: c.994A>G on transcript NM_018993.4 (MANE Select); coding-DNA position 994, A replaced by G.
Protein change: p.Thr332Ala; replaces threonine 332 with alanine.
Molecular consequence: missense variant.
Genome position (GRCh38, 1-based): chr20:19,975,019, A>G. VCF-style: chr20-19975019-A-G. GRCh37 (hg19) VCF-style: chr20-19955663-A-G.
Other names: c.376A>G, p.Thr126Ala (NM_001378238.1); c.1141A>G, p.Thr381Ala (NM_001242581.2); short protein forms T126A, T381A, T332A.
Identifiers: ClinVar variation 2808510 (VCV002808510.3), dbSNP rs2515509691, ClinGen allele CA408361387.
Genomic context (GRCh38, chr20:19,975,019, plus strand): 5'-CCGCCACCCGCTATTAATAGTCTCCACACAAGCCCTCGGCTGGCCAGGACTGAAACCCAG[A>G]CGAGCATGCCAGAAACAGTCAACCATAACAAACATGGGAACGTAGCTCTGCCTGGAACGA-3'
Protein context (NP_061866.1, residues 322-342): SPRLARTETQ[Thr332Ala]SMPETVNHNK